The following is an entry in ClinVar:

ClinVar aggregate classification (germline): Pathogenic (1 of 4 stars; one submission).

Submission:

GeneDx
Classification: Pathogenic. Last evaluated: 2020-03-12. Review status: criteria provided, single submitter. Criteria: GeneDx Variant Classification Process June 2021. Collection method: clinical testing. Allele origin: germline. Affected: yes.
Comment: Has not been previously published as pathogenic or benign to our knowledge; Not observed in large population cohorts (Lek et al., 2016); Frameshift variant predicted to result in protein truncation or nonsense mediated decay in a gene for which loss-of-function is a known mechanism of disease

NM_000238.4(KCNH2):c.3133_3136del (p.Leu1045fs)

Gene: KCNH2 (potassium voltage-gated channel subfamily H member 2; minus strand). Cytogenetic location: 7q36.1.
Variant type: Deletion.
Coding change: c.3133_3136del on transcript NM_000238.4 (MANE Select); coding-DNA positions 3133 to 3136, 4 bases deleted (CTCC; older notation c.3133_3136delCTCC).
Protein change: p.Leu1045fs; shifts the reading frame from leucine 1045.
Molecular consequence: frameshift variant.
Genome position (GRCh38, 1-based): chr7:150,947,344-150,947,347, GGAG deleted on the plus strand (CTCC on the coding strand, the reverse complement: KCNH2 is on the minus strand); deleting any 4 consecutive bases within chr7:150,947,344-150,947,349 gives the same sequence; the c. name uses the placement nearest the transcript's 3' end. VCF-style (leftmost placement, unchanged base first): chr7-150947343-TGGAG-T. GRCh37 (hg19) VCF-style: chr7-150644431-TGGAG-T.
Other names: c.3133_3136delCTCC (NM_000238.2); c.2113_2116del, p.Leu705fs (NM_172057.3); short protein forms L1045fs, L705fs.
Identifiers: ClinVar variation 817602 (VCV000817602.2), dbSNP rs1584842898, ClinGen allele CA915945566.